The following is an entry in ClinVar:

ClinVar aggregate classification (germline): Likely benign (1 of 4 stars; one submission).

Allele frequency attached by ClinVar (database versions not stated): gnomAD 0.00036; 1000 Genomes Project 0.00040; TOPMed 0.00046; 1000 Genomes Project 30x 0.00094.
gnomAD v4.1: 56 of 152,308 alleles (0.037%); highest among the groups gnomAD compares: Admixed American, 0.065%; no homozygotes.

Submission:

CeGaT Center for Human Genetics Tuebingen
Classification: Likely benign. Last evaluated: 2024-05-01. Review status: criteria provided, single submitter. Criteria: CeGaT Center For Human Genetics Tuebingen Variant Classification Criteria Version 2. Collection method: clinical testing. Allele origin: germline. Affected: yes. Observed: 1 variant allele.
Comment: GRIP1: BP4, BP7

NM_001366722.1(GRIP1):c.55+32780T>C

Gene: GRIP1 (glutamate receptor interacting protein 1; minus strand). Cytogenetic location: 12q14.3.
Variant type: single nucleotide variant.
Coding change: c.55+32780T>C on transcript NM_001366722.1 (MANE Select); 32780 bases into the intron after coding-DNA position 55, T replaced by C.
Molecular consequence: intron variant.
Genome position (GRCh38, 1-based): chr12:66,646,070, A>G on the plus strand (T>C on the coding strand, the complement: GRIP1 is on the minus strand). VCF-style: chr12-66646070-A-G. GRCh37 (hg19) VCF-style: chr12-67039850-A-G.
Other names: c.134-49143T>C (NM_001379348.1, NM_001366723.1, NM_001379347.1 and 2 more transcripts); c.55+32780T>C (NM_001178074.2, NM_021150.4, NM_001379346.1); c.59-49143T>C (NM_001379351.1, NM_001379349.1).
Identifiers: ClinVar variation 3239223 (VCV003239223.19), dbSNP rs565436508.